The following is an entry in ClinVar:

ClinVar aggregate classification (germline): Uncertain significance (1 of 4 stars; one submission).

Conditions:
Granulomatous disease, chronic, autosomal recessive, cytochrome b-positive, type 2. Also called: Chronic granulomatous disease due to deficiency of NCF-2; CGD, AUTOSOMAL RECESSIVE CYTOCHROME b-POSITIVE, TYPE II; GRANULOMATOUS DISEASE, CHRONIC, DUE TO NCF2 DEFICIENCY; Chronic Granulomatous Disease, Autosomal Recessive, Cytochrome b-Positive, Type II; GRANULOMATOUS DISEASE, CHRONIC, AUTOSOMAL RECESSIVE, 2. Identifiers: Orphanet 379, MedGen C1856245, MONDO:0009310, OMIM 233710.

Allele frequency attached by ClinVar (database versions not stated): gnomAD exomes below 0.00001; ExAC 0.00002; gnomAD 0.00004; TOPMed 0.00006.
gnomAD v4.1: 9 of 1,614,056 alleles (0.00056%); highest among the groups gnomAD compares: African/African-American, 0.011%; no homozygotes.

Submission:

Labcorp Genetics (formerly Invitae), Labcorp
Classification: Uncertain significance for Granulomatous disease, chronic, autosomal recessive, cytochrome b-positive, type 2. Last evaluated: 2024-10-22. Review status: criteria provided, single submitter. Criteria: Invitae Variant Classification Sherloc (09022015). Collection method: clinical testing. Allele origin: germline.
Comment: This sequence change replaces lysine, which is basic and polar, with methionine, which is neutral and non-polar, at codon 23 of the NCF2 protein (p.Lys23Met). This variant is present in population databases (rs767533151, gnomAD 0.01%). This variant has not been reported in the literature in individuals affected with NCF2-related conditions. ClinVar contains an entry for this variant (Variation ID: 1979479). Invitae Evidence Modeling of protein sequence and biophysical properties (such as structural, functional, and spatial information, amino acid conservation, physicochemical variation, residue mobility, and thermodynamic stability) indicates that this missense variant is not expected to disrupt NCF2 protein function with a negative predictive value of 80%. In summary, the available evidence is currently insufficient to determine the role of this variant in disease. Therefore, it has been classified as a Variant of Uncertain Significance.

NM_000433.4(NCF2):c.68A>T (p.Lys23Met)

Gene: NCF2 (neutrophil cytosolic factor 2; minus strand). Cytogenetic location: 1q25.3.
Variant type: single nucleotide variant.
Coding change: c.68A>T on transcript NM_000433.4 (MANE Select); coding-DNA position 68, A replaced by T.
Protein change: p.Lys23Met; replaces lysine 23 with methionine.
Molecular consequence: missense variant.
Genome position (GRCh38, 1-based): chr1:183,590,262, T>A on the plus strand (A>T on the coding strand, the complement: NCF2 is on the minus strand). VCF-style: chr1-183590262-T-A. GRCh37 (hg19) VCF-style: chr1-183559397-T-A.
Other names: c.68A>T, p.Lys23Met (NM_001127651.3, NM_001190789.2, NM_001190794.2 and 1 more transcripts); short protein forms K23M.
Identifiers: ClinVar variation 1979479 (VCV001979479.3), dbSNP rs767533151, ClinGen allele CA1285066.